The following is an entry in ClinVar:

NM_000064.4(C3):c.1623C>A (p.Ser541Arg)

Gene: C3 (complement C3; minus strand). Cytogenetic location: 19p13.3.
Variant type: single nucleotide variant.
Coding change: c.1623C>A on transcript NM_000064.4 (MANE Select); coding-DNA position 1623, C replaced by A.
Protein change: p.Ser541Arg; replaces serine 541 with arginine.
Molecular consequence: missense variant.
Genome position (GRCh38, 1-based): chr19:6,710,702, G>T on the plus strand (C>A on the coding strand, the complement: C3 is on the minus strand). VCF-style: chr19-6710702-G-T. GRCh37 (hg19) VCF-style: chr19-6710713-G-T.
Other names: short protein forms S541R.
Identifiers: ClinVar variation 3675019 (VCV003675019.2).

ClinVar aggregate classification (germline): Uncertain significance (1 of 4 stars; one submission).

gnomAD v4.1: 26 of 1,613,554 alleles (0.0016%); highest among the groups gnomAD compares: Non-Finnish European, 0.0022%; no homozygotes.

Submission:

Labcorp Genetics (formerly Invitae), Labcorp
Classification: Uncertain significance. Last evaluated: 2024-11-25. Review status: criteria provided, single submitter. Criteria: Invitae Variant Classification Sherloc (09022015). Collection method: clinical testing. Allele origin: germline.
Comment: This sequence change replaces serine, which is neutral and polar, with arginine, which is basic and polar, at codon 541 of the C3 protein (p.Ser541Arg). This variant is not present in population databases (gnomAD no frequency). This variant has not been reported in the literature in individuals affected with C3-related conditions. An algorithm developed to predict the effect of missense changes on protein structure and function (PolyPhen-2) suggests that this variant is likely to be disruptive. In summary, the available evidence is currently insufficient to determine the role of this variant in disease. Therefore, it has been classified as a Variant of Uncertain Significance.